The following is an entry in ClinVar:

ClinVar aggregate classification (germline): Benign. Review status: criteria provided, single submitter (1 of 4 stars). 2 submissions from 2 submitters: Benign (1). 1 of the submissions does not count toward it. Last evaluated 2024-10-24.

Conditions:
PRKCSH-related disorder. Also called: PRKCSH-related condition.

Allele frequency attached by ClinVar (database versions not stated): gnomAD 0.00007; ESP Exome Variant Server 0.00008; 1000 Genomes Project 30x 0.00016; 1000 Genomes Project 0.00020.
gnomAD v4.1: 102 of 1,613,868 alleles (0.0063%); highest among the groups gnomAD compares: South Asian, 0.083%; 1 homozygote.

Submissions (2):

Labcorp Genetics (formerly Invitae), Labcorp
Classification: Benign. Last evaluated: 2024-10-24. Review status: criteria provided, single submitter. Criteria: Invitae Variant Classification Sherloc (09022015). Collection method: clinical testing. Allele origin: germline.

PreventionGenetics, part of Exact Sciences
Classification: Likely benign for PRKCSH-related condition. Last evaluated: 2019-09-09. Review status: no assertion criteria provided. Collection method: clinical testing. Allele origin: germline. Not counted in ClinVar's aggregate classification.
Comment: This variant is classified as likely benign based on ACMG/AMP sequence variant interpretation guidelines (Richards et al. 2015 PMID: 25741868, with internal and published modifications).

NM_001289104.2(PRKCSH):c.861C>T (p.Thr287=)

Gene: PRKCSH (PRKCSH beta subunit of glucosidase II; plus strand). Cytogenetic location: 19p13.2.
Variant type: single nucleotide variant.
Coding change: c.861C>T on transcript NM_001289104.2 (MANE Select); coding-DNA position 861, C replaced by T.
Protein change: p.Thr287=; no amino-acid change (threonine 287 retained).
Molecular consequence: synonymous variant.
Genome position (GRCh38, 1-based): chr19:11,447,450, C>T. VCF-style: chr19-11447450-C-T. GRCh37 (hg19) VCF-style: chr19-11558265-C-T.
Other names: c.861C>T, p.Thr287= (NM_001001329.3, NM_001289102.2, NM_001289103.2 and 3 more transcripts).
Identifiers: ClinVar variation 2191182 (VCV002191182.6), dbSNP rs149732361, ClinGen allele CA9213049.